The following is an entry in ClinVar:

NM_007208.4(MRPL3):c.894+7A>G

Gene: MRPL3 (mitochondrial ribosomal protein L3; minus strand). Cytogenetic location: 3q22.1.
Variant type: single nucleotide variant.
Coding change: c.894+7A>G on transcript NM_007208.4 (MANE Select); 7 bases into the intron after coding-DNA position 894, A replaced by G.
Molecular consequence: intron variant.
Genome position (GRCh38, 1-based): chr3:131,468,084, T>C on the plus strand (A>G on the coding strand, the complement: MRPL3 is on the minus strand). VCF-style: chr3-131468084-T-C. GRCh37 (hg19) VCF-style: chr3-131186928-T-C.
Identifiers: ClinVar variation 507991 (VCV000507991.12), dbSNP rs181324747, ClinGen allele CA2616902.

ClinVar aggregate classification (germline): Likely benign. Review status: criteria provided, multiple submitters, no conflicts (2 of 4 stars). 3 submissions from 3 submitters: Likely benign (3). Last evaluated 2025-12-13.

Allele frequency attached by ClinVar (database versions not stated): ExAC 0.00032; gnomAD exomes 0.00034; ESP Exome Variant Server 0.00039; gnomAD 0.00046 and 0.00049; TOPMed 0.00052; 1000 Genomes Project 0.00060; 1000 Genomes Project 30x 0.00078.
gnomAD v4.1: 518 of 1,482,622 alleles (0.035%); highest among the groups gnomAD compares: Admixed American, 0.086%; 1 homozygote.

Submissions (4):

Labcorp Genetics (formerly Invitae), Labcorp
Classification: Likely benign. Last evaluated: 2025-12-13. Review status: criteria provided, single submitter. Criteria: Invitae Variant Classification Sherloc (09022015). Collection method: clinical testing. Allele origin: germline.

Blueprint Genetics
Classification: Likely benign. Last evaluated: 2024-10-11. Review status: criteria provided, single submitter. Criteria: ACMG Guidelines, 2015. Collection method: clinical testing. Allele origin: germline.

GeneDx
Classification: Likely benign. Last evaluated: 2017-03-21. Review status: criteria provided, single submitter. Criteria: GeneDx Variant Classification (06012015). Collection method: clinical testing. Allele origin: germline. Affected: yes.
Comment: This variant is considered likely benign or benign based on one or more of the following criteria: it is a conservative change, it occurs at a poorly conserved position in the protein, it is predicted to be benign by multiple in silico algorithms, and/or has population frequency not consistent with disease.

Dr. Peter K. Rogan Lab, Western University
No classification provided (evidence only). Condition: Uterine carcinosarcoma. Review status: no classification provided. Collection method: in vitro. Allele origin: not applicable. Functional consequence: retained intron. Not counted in ClinVar's aggregate classification.